The following is an entry in ClinVar:

NM_000057.4(BLM):c.2960C>G (p.Ser987Cys)

Gene: BLM (BLM RecQ like helicase; plus strand). Cytogenetic location: 15q26.1.
Variant type: single nucleotide variant.
Coding change: c.2960C>G on transcript NM_000057.4 (MANE Select); coding-DNA position 2960, C replaced by G.
Protein change: p.Ser987Cys; replaces serine 987 with cysteine.
Molecular consequence: missense variant.
Genome position (GRCh38, 1-based): chr15:90,790,785, C>G. VCF-style: chr15-90790785-C-G. GRCh37 (hg19) VCF-style: chr15-91334015-C-G.
Other names: c.2960C>G, p.Ser987Cys (NM_001287246.2, NM_001287247.2); c.1835C>G, p.Ser612Cys (NM_001287248.2); short protein forms S987C, S612C.
Identifiers: ClinVar variation 524774 (VCV000524774.6), dbSNP rs1555423111, ClinGen allele CA393846502.

ClinVar aggregate classification (germline): Uncertain significance (1 of 4 stars; one submission).

Conditions:
Bloom syndrome (BLM). Also called: Bloom-Torre-Machacek syndrome. Identifiers: Orphanet 125, MedGen C0005859, MONDO:0008876, OMIM 210900.

Submission:

Labcorp Genetics (formerly Invitae), Labcorp
Classification: Uncertain significance for Bloom syndrome. Last evaluated: 2021-08-24. Review status: criteria provided, single submitter. Criteria: Invitae Variant Classification Sherloc (09022015). Collection method: clinical testing. Allele origin: germline.
Comment: This sequence change replaces serine with cysteine at codon 987 of the BLM protein (p.Ser987Cys). The serine residue is highly conserved and there is a moderate physicochemical difference between serine and cysteine. This variant is not present in population databases (ExAC no frequency). This variant has not been reported in the literature in individuals affected with BLM-related conditions. Algorithms developed to predict the effect of missense changes on protein structure and function are either unavailable or do not agree on the potential impact of this missense change (SIFT: "Deleterious"; PolyPhen-2: "Probably Damaging"; Align-GVGD: "Class C0"). In summary, the available evidence is currently insufficient to determine the role of this variant in disease. Therefore, it has been classified as a Variant of Uncertain Significance.